The following is an entry in ClinVar:

NM_000138.5(FBN1):c.5444del (p.Gly1815fs)

Gene: FBN1 (fibrillin 1; minus strand). Cytogenetic location: 15q21.1.
Variant type: Deletion.
Coding change: c.5444del on transcript NM_000138.5 (MANE Select); coding-DNA position 5444, one base deleted (G; older notation c.5444delG).
Protein change: p.Gly1815fs; shifts the reading frame from glycine 1815.
Molecular consequence: frameshift variant.
Genome position (GRCh38, 1-based): chr15:48,452,663, C deleted on the plus strand (G on the coding strand, the reverse complement: FBN1 is on the minus strand); the first of 2 consecutive C bases (chr15:48,452,663-48,452,664); deleting either gives the same sequence. VCF-style (leftmost placement, unchanged base first): chr15-48452662-GC-G. GRCh37 (hg19) VCF-style: chr15-48744859-GC-G.
Other names: c.5443delG, p.Gly1815Alafs (NM_000138.4); c.5444del, p.Gly1815fs (NM_001406716.1); short protein forms G1815fs.
Identifiers: ClinVar variation 1325426 (VCV001325426.2), dbSNP rs2141256088, ClinGen allele CA2573150919.

ClinVar aggregate classification (germline): Pathogenic (1 of 4 stars; one submission).

Conditions:
Marfan syndrome (MFS). Also called: Marfan syndrome type 1; Marfan's syndrome; FBN1-Related Marfan Syndrome; MARFAN SYNDROME, TYPE I; Marfan syndrome, classic. Identifiers: Orphanet 284963, Orphanet 558, MedGen C0024796, MONDO:0007947, OMIM 154700.

Submission:

Centre of Medical Genetics, University of Antwerp
Classification: Pathogenic for Marfan syndrome. Last evaluated: 2021-03-01. Review status: criteria provided, single submitter. Criteria: Submitter's publication. Collection method: research. Allele origin: unknown. Affected: yes.
Comment: PM2, PVS1, PP4